The following is an entry in ClinVar:

NM_000090.4(COL3A1):c.3049G>C (p.Gly1017Arg)

Gene: COL3A1 (collagen type III alpha 1 chain; plus strand). Cytogenetic location: 2q32.2.
Variant type: single nucleotide variant.
Coding change: c.3049G>C on transcript NM_000090.4 (MANE Select); coding-DNA position 3049, G replaced by C.
Protein change: p.Gly1017Arg; replaces glycine 1017 with arginine.
Molecular consequence: missense variant.
Genome position (GRCh38, 1-based): chr2:189,006,215, G>C. VCF-style: chr2-189006215-G-C. GRCh37 (hg19) VCF-style: chr2-189870941-G-C.
Other names: short protein forms G1017R.
Identifiers: ClinVar variation 5019183 (VCV005019183.1).

ClinVar aggregate classification (germline): Likely pathogenic (1 of 4 stars; one submission).

Conditions:
Ehlers-Danlos syndrome, type 4 (EDSVASC). Also called: Ehlers-Danlos syndrome vascular type; Ehlers Danlos syndrome, ecchymotic type; Ehlers Danlos syndrome, arterial type; Ehlers Danlos syndrome, Sack-Barabas type; Ehlers-Danlos Syndrome Type IV. Identifiers: Orphanet 286, MedGen C0268338, MONDO:0017314, OMIM 130050.
Polymicrogyria with or without vascular-type Ehlers-Danlos syndrome. Identifiers: Orphanet 636941, MedGen C5193040, MONDO:0032688, OMIM 618343.

Submission:

Juno Genomics, Hangzhou Juno Genomics, Inc
Classification: Likely pathogenic for Ehlers-Danlos syndrome, type 4; Polymicrogyria with or without vascular-type Ehlers-Danlos syndrome. Review status: criteria provided, single submitter. Criteria: ACMG Guidelines, 2015. Collection method: clinical testing. Allele origin: germline. Affected: yes.
Comment: Absent from controls (or at extremely low frequency if recessive) in Genome Aggregation Database.;Multiple lines of computational evidence support a deleterious effect on the gene or gene product.;Missense variant in a gene that has a low rate of benign missense variation.;De novo (both maternity and paternity confirmed) in a patient with the disease and no family history.